The following is an entry in ClinVar:

ClinVar aggregate classification (germline): Likely pathogenic. Review status: criteria provided, multiple submitters, no conflicts (2 of 4 stars). 2 submissions from 2 submitters: Likely pathogenic (2). Last evaluated 2025-02-05.

Conditions:
Developmental and epileptic encephalopathy, 53. Also called: Epileptic encephalopathy, early infantile, 53. Identifiers: MedGen C4479313, MONDO:0033362, OMIM 617389.
Early-onset Parkinson disease 20. Also called: PARKINSON DISEASE 20, AUTOSOMAL RECESSIVE EARLY-ONSET. Identifiers: Orphanet 391411, MedGen C3809824, MONDO:0014233, OMIM 615530.

Allele frequency attached by ClinVar (database versions not stated): TOPMed below 0.00001; gnomAD 0.00001.

Submissions (2):

GeneDx
Classification: Likely pathogenic. Last evaluated: 2025-02-05. Review status: criteria provided, single submitter. Criteria: GeneDx Variant Classification Process June 2021. Collection method: clinical testing. Allele origin: germline.
Comment: Reported in an individual with epilepsy, however it is unknown if a second SYNJ1 variant was also identified (PMID: 31440721); Canonical splice site variant predicted to result in an in-frame loss of the adjacent exon in a gene for which loss of function is a known mechanism of disease; Not observed at significant frequency in large population cohorts (gnomAD); This variant is associated with the following publications: (PMID: 31440721)

Labcorp Genetics (formerly Invitae), Labcorp
Classification: Likely pathogenic for Developmental and epileptic encephalopathy, 53; Early-onset Parkinson disease 20. Last evaluated: 2024-09-01. Review status: criteria provided, single submitter. Criteria: Invitae Variant Classification Sherloc (09022015). Collection method: clinical testing. Allele origin: germline.
Comment: This sequence change affects an acceptor splice site in intron 10 of the SYNJ1 gene. It is expected to disrupt RNA splicing. Variants that disrupt the donor or acceptor splice site typically lead to a loss of protein function (PMID: 16199547), and loss-of-function variants in SYNJ1 are known to be pathogenic (PMID: 25316601, 27435091). This variant is not present in population databases (gnomAD no frequency). Disruption of this splice site has been observed in individual(s) with clinical features of SYNJ1-related disease (PMID: 31440721). ClinVar contains an entry for this variant (Variation ID: 570738). Algorithms developed to predict the effect of sequence changes on RNA splicing suggest that this variant may disrupt the consensus splice site. In summary, the currently available evidence indicates that the variant is pathogenic, but additional data are needed to prove that conclusively. Therefore, this variant has been classified as Likely Pathogenic.

Literature cited by the submitters: PubMed 16199547 (cited by Labcorp Genetics (formerly Invitae), Labcorp); PubMed 25316601 (cited by Labcorp Genetics (formerly Invitae), Labcorp); PubMed 27435091 (cited by Labcorp Genetics (formerly Invitae), Labcorp); PubMed 31440721 (cited by Labcorp Genetics (formerly Invitae), Labcorp).

NM_203446.3(SYNJ1):c.1201-2A>G

Gene: SYNJ1 (synaptojanin 1; minus strand). Cytogenetic location: 21q22.11.
Variant type: single nucleotide variant.
Coding change: c.1201-2A>G on transcript NM_203446.3 (MANE Select); the canonical splice acceptor site of the intron before coding-DNA position 1201, A replaced by G.
Molecular consequence: splice acceptor variant.
Genome position (GRCh38, 1-based): chr21:32,681,650, T>C on the plus strand (A>G on the coding strand, the complement: SYNJ1 is on the minus strand). VCF-style: chr21-32681650-T-C. GRCh37 (hg19) VCF-style: chr21-34053960-T-C.
Other names: c.1318-2A>G (NM_003895.4); c.1201-2A>G (NM_001160302.2, NM_001160306.2).
Identifiers: ClinVar variation 570738 (VCV000570738.8), dbSNP rs1569086116, ClinGen allele CA410090470.
Genomic context (GRCh38, chr21:32,681,650, plus strand): 5'-CGAGTCACCAACTGAGGCTTTTCAGCTAAACCAAGAGCTTCCAACTGTTTAGCTAGCATC[T>C]TAAAAAGCAAACAAGAAATTTTTATAAGTACATTAATATATTAATTGTAATATGGCTTTT-3'